The following is an entry in ClinVar:

ClinVar aggregate classification (germline): Conflicting classifications of pathogenicity. Review status: criteria provided, conflicting classifications (1 of 4 stars). 5 submissions from 4 submitters: Uncertain significance (3); Benign (1); Likely benign (1). Last evaluated 2025-06-17.

Conditions:
Autosomal dominant nonsyndromic hearing loss 12. Also called: DEAFNESS, AUTOSOMAL DOMINANT 8. Identifiers: Orphanet 90635, MedGen C1832187, MONDO:0011102, OMIM 601543.
Autosomal recessive nonsyndromic hearing loss 21. Identifiers: Orphanet 90636, MedGen C1863655, MONDO:0011351, OMIM 603629.

Allele frequency attached by ClinVar (database versions not stated): ExAC 0.00008; 1000 Genomes Project 30x 0.00016; 1000 Genomes Project 0.00020; gnomAD 0.00033 and 0.00035; ESP Exome Variant Server 0.00038; TOPMed 0.00042.
gnomAD v4.1: 104 of 1,613,952 alleles (0.0064%); highest among the groups gnomAD compares: African/African-American, 0.11%; 1 homozygote.

Submissions (5):

Women's Health and Genetics/Laboratory Corporation of America, LabCorp
Classification: Likely benign. Last evaluated: 2025-06-17. Review status: criteria provided, single submitter. Criteria: LabCorp Variant Classification Summary - May 2015. Collection method: clinical testing. Allele origin: germline.

Labcorp Genetics (formerly Invitae), Labcorp
Classification: Benign. Last evaluated: 2025-02-13. Review status: criteria provided, single submitter. Criteria: Invitae Variant Classification Sherloc (09022015). Collection method: clinical testing. Allele origin: germline.

GeneDx
Classification: Uncertain significance. Last evaluated: 2020-02-12. Review status: criteria provided, single submitter. Criteria: GeneDx Variant Classification Process June 2021. Collection method: clinical testing. Allele origin: germline. Affected: yes.
Comment: Has not been previously published as pathogenic or benign to our knowledge; In-silico analysis, which includes splice predictors and evolutionary conservation, is inconclusive as to whether the variant alters gene splicing. In the absence of RNA/functional studies, the actual effect of this sequence change is unknown.

Illumina Laboratory Services, Illumina
Classification: Uncertain significance for Autosomal recessive nonsyndromic hearing loss 21. Last evaluated: 2018-01-12. Review status: criteria provided, single submitter. Criteria: ICSL Variant Classification Criteria 13 December 2019. Collection method: clinical testing. Allele origin: germline.

Illumina Laboratory Services, Illumina
Classification: Uncertain significance for Autosomal dominant nonsyndromic hearing loss 12. Last evaluated: 2018-01-12. Review status: criteria provided, single submitter. Criteria: ICSL Variant Classification Criteria 13 December 2019. Collection method: clinical testing. Allele origin: germline.

NM_005422.4(TECTA):c.714C>T (p.Asn238=)

Genes: TECTA (tectorin alpha; plus strand), TBCEL-TECTA (TBCEL-TECTA readthrough; plus strand). Cytogenetic location: 11q23.3.
Variant type: single nucleotide variant.
Coding change: c.714C>T on transcript NM_005422.4 (MANE Select); coding-DNA position 714, C replaced by T.
Protein change: p.Asn238=; no amino-acid change (asparagine 238 retained).
Molecular consequence: synonymous variant.
Genome position (GRCh38, 1-based): chr11:121,113,642, C>T. VCF-style: chr11-121113642-C-T. GRCh37 (hg19) VCF-style: chr11-120984351-C-T.
Identifiers: ClinVar variation 878535 (VCV000878535.9), dbSNP rs148478527, ClinGen allele CA6326580.